The following is an entry in ClinVar:

ClinVar aggregate classification (germline): Uncertain significance. Review status: criteria provided, multiple submitters, no conflicts (2 of 4 stars). 2 submissions from 2 submitters: Uncertain significance (2). Last evaluated 2026-02-17.

Conditions:
Inborn genetic diseases. Identifiers: MedGen C0950123, MeSH D030342.

Allele frequency attached by ClinVar (database versions not stated): gnomAD exomes 0.00001; TOPMed 0.00001; ExAC 0.00002.
gnomAD v4.1: 7 of 1,613,862 alleles (0.00043%); highest among the groups gnomAD compares: Non-Finnish European, 0.000085%; no homozygotes.

Submissions (2):

Ambry Genetics
Classification: Uncertain significance for Inborn genetic diseases. Last evaluated: 2026-02-17. Review status: criteria provided, single submitter. Criteria: Ambry Variant Classification Scheme 2023. Collection method: clinical testing. Allele origin: germline.
Comment: The c.4724G>A (p.R1575Q) alteration is located in exon 39 (coding exon 39) of the CACNA1D gene. This alteration results from a G to A substitution at nucleotide position 4724, causing the arginine (R) at amino acid position 1575 to be replaced by a glutamine (Q). Based on data from gnomAD, the A allele has an overall frequency of 0.001% (3/251478) total alleles studied. The highest observed frequency was 0.02% (2/10080) of Ashkenazi Jewish alleles. Based on insufficient or conflicting evidence, the clinical significance of this alteration remains unclear.

Labcorp Genetics (formerly Invitae), Labcorp
Classification: Uncertain significance. Last evaluated: 2025-12-01. Review status: criteria provided, single submitter. Criteria: Invitae Variant Classification Sherloc (09022015). Collection method: clinical testing. Allele origin: germline.
Comment: This sequence change replaces arginine, which is basic and polar, with glutamine, which is neutral and polar, at codon 1575 of the CACNA1D protein (p.Arg1575Gln). This variant is present in population databases (rs765670623, gnomAD 0.02%). This variant has not been reported in the literature in individuals affected with CACNA1D-related conditions. ClinVar contains an entry for this variant (Variation ID: 1897354). Invitae Evidence Modeling of protein sequence and biophysical properties (such as structural, functional, and spatial information, amino acid conservation, physicochemical variation, residue mobility, and thermodynamic stability) indicates that this missense variant is expected to disrupt CACNA1D protein function with a positive predictive value of 80%. In summary, the available evidence is currently insufficient to determine the role of this variant in disease. Therefore, it has been classified as a Variant of Uncertain Significance.

NM_001128840.3(CACNA1D):c.4664G>A (p.Arg1555Gln)

Gene: CACNA1D (calcium voltage-gated channel subunit alpha1 D; plus strand). Cytogenetic location: 3p21.1.
Variant type: single nucleotide variant.
Coding change: c.4664G>A on transcript NM_001128840.3 (MANE Select); coding-DNA position 4664, G replaced by A.
Protein change: p.Arg1555Gln; replaces arginine 1555 with glutamine.
Molecular consequence: missense variant.
Genome position (GRCh38, 1-based): chr3:53,780,102, G>A. VCF-style: chr3-53780102-G-A. GRCh37 (hg19) VCF-style: chr3-53814129-G-A.
Other names: c.4724G>A, p.Arg1575Gln (NM_000720.4); c.4619G>A, p.Arg1540Gln (NM_001128839.3); c.4724G>A (NM_000720.2); short protein forms R1575Q, R1540Q, R1555Q.
Identifiers: ClinVar variation 1897354 (VCV001897354.6), dbSNP rs765670623, ClinGen allele CA2454941.
Genomic context (GRCh38, chr3:53,780,102, plus strand): 5'-ACATGCCTCTCAACAGTGACGGGACAGTCATGTTTAATGCAACCCTGTTTGCTTTGGTTC[G>A]AACGGCTCTTAAGATCAAGACCGAAGGTGAGCATTCCCTGCCAGCAAGACAAGATGGCAG-3'
Protein context (NP_001122312.1, residues 1545-1565): MFNATLFALV[Arg1555Gln]TALKIKTEGN